The following is an entry in ClinVar:

NM_006035.4(CDC42BPB):c.5040G>A (p.Ser1680=)

Gene: CDC42BPB (CDC42 binding protein kinase beta; minus strand). Cytogenetic location: 14q32.32.
Variant type: single nucleotide variant.
Coding change: c.5040G>A on transcript NM_006035.4 (MANE Select); coding-DNA position 5040, G replaced by A.
Protein change: p.Ser1680=; no amino-acid change (serine 1680 retained).
Molecular consequence: synonymous variant.
Genome position (GRCh38, 1-based): chr14:102,933,808, C>T on the plus strand (G>A on the coding strand, the complement: CDC42BPB is on the minus strand). VCF-style: chr14-102933808-C-T. GRCh37 (hg19) VCF-style: chr14-103400145-C-T.
Other names: c.4962G>A, p.Ser1654= (NM_001411054.1).
Identifiers: ClinVar variation 3031778 (VCV003031778.7), dbSNP rs369647222, ClinGen allele CA7360177.
Genomic context (GRCh38, chr14:102,933,808, plus strand): 5'-GGGGAGCTGGCTCCTGTGGGGGGAGTTGGGGCTCGGTGGGCCGCTGGGGTTGGAGCTATT[C>T]GATGGAGTTGAGTGTTTGGTGGAGTCCGAATCAGGCTGTGAACAGGAAGAGGGCAGGGTG-3'
Protein context (NP_006026.3, residues 1670-1690): DSDSTKHSTP[Ser1680=]NSSNPSGPPS

ClinVar aggregate classification (germline): Likely benign. Review status: criteria provided, multiple submitters, no conflicts (2 of 4 stars). 3 submissions from 3 submitters: Likely benign (2). 1 of the submissions does not count toward it. Last evaluated 2026-03-01.

Conditions:
CDC42BPB-related disorder.

Allele frequency attached by ClinVar (database versions not stated): gnomAD 0.00003; TOPMed 0.00004; ExAC 0.00013; ESP Exome Variant Server 0.00015; 1000 Genomes Project 30x 0.00016; 1000 Genomes Project 0.00020.
gnomAD v4.1: 86 of 1,514,580 alleles (0.0057%); highest among the groups gnomAD compares: Middle Eastern, 0.034%; no homozygotes.

Submissions (3):

CeGaT Center for Human Genetics Tuebingen
Classification: Likely benign. Last evaluated: 2026-03-01. Review status: criteria provided, single submitter. Criteria: CeGaT Center For Human Genetics Tuebingen Variant Classification Criteria Version 2. Collection method: clinical testing. Allele origin: germline. Affected: yes. Observed: 1 variant allele.
Comment: CDC42BPB: BP4, BP7

Blueprint Genetics
Classification: Likely benign. Last evaluated: 2024-09-19. Review status: criteria provided, single submitter. Criteria: ACMG Guidelines, 2015. Collection method: clinical testing. Allele origin: germline.

PreventionGenetics, part of Exact Sciences
Classification: Likely benign for CDC42BPB-related condition. Last evaluated: 2021-05-06. Review status: no assertion criteria provided. Collection method: clinical testing. Allele origin: germline. Not counted in ClinVar's aggregate classification.
Comment: This variant is classified as likely benign based on ACMG/AMP sequence variant interpretation guidelines (Richards et al. 2015 PMID: 25741868, with internal and published modifications).